The following is an entry in ClinVar:

NM_024675.4(PALB2):c.2744C>T (p.Ala915Val)

Gene: PALB2 (partner and localizer of BRCA2; minus strand). Cytogenetic location: 16p12.2.
Variant type: single nucleotide variant.
Coding change: c.2744C>T on transcript NM_024675.4 (MANE Select); coding-DNA position 2744, C replaced by T.
Protein change: p.Ala915Val; replaces alanine 915 with valine.
Molecular consequence: missense variant.
Genome position (GRCh38, 1-based): chr16:23,626,240, G>A on the plus strand (C>T on the coding strand, the complement: PALB2 is on the minus strand). VCF-style: chr16-23626240-G-A. GRCh37 (hg19) VCF-style: chr16-23637561-G-A.
Other names: short protein forms A915V.
Identifiers: ClinVar variation 1320442 (VCV001320442.13), dbSNP rs1459102959, ClinGen allele CA395121820.
Genomic context (GRCh38, chr16:23,626,240, plus strand): 5'-TACATTATCAGGCAAATGGCTGCAAAGATCTCTTTCAGCTCGAGATTCCCACTTACCTCT[G>A]CGAAGTGCCAGGTATAAAGTTTTTCCCACTGCCAAGCATCCAGAGCTTTCCAAAGAGAAA-3'
Protein context (NP_078951.2, residues 905-925): QWEKLYTWHF[Ala915Val]EVPVLQIVPV

ClinVar aggregate classification (germline): Uncertain significance. Review status: criteria provided, multiple submitters, no conflicts (2 of 4 stars). 5 submissions from 5 submitters: Uncertain significance (5). Last evaluated 2024-03-09.

Conditions:
Hereditary cancer-predisposing syndrome. Also called: Hereditary neoplastic syndrome; Neoplastic Syndromes, Hereditary; Tumor predisposition; Hereditary Cancer Syndrome. Identifiers: Orphanet 140162, MedGen C0027672, MeSH D009386, MONDO:0015356.
Familial cancer of breast. Also called: Hereditary breast cancer; hereditary breast carcinoma; BREAST CANCER, FAMILIAL. Identifiers: Orphanet 227535, MedGen C0346153, MONDO:0016419, OMIM 114480. Disease mechanism: loss of function.

Allele frequency attached by ClinVar (database versions not stated): gnomAD exomes below 0.00001; gnomAD 0.00001.
gnomAD v4.1: 2 of 1,614,072 alleles (0.00012%); highest among the groups gnomAD compares: African/African-American, 0.0013%; no homozygotes.

Submissions (5):

Women's Health and Genetics/Laboratory Corporation of America, LabCorp
Classification: Uncertain significance. Last evaluated: 2024-03-09. Review status: criteria provided, single submitter. Criteria: LabCorp Variant Classification Summary - May 2015. Collection method: clinical testing. Allele origin: germline.

Labcorp Genetics (formerly Invitae), Labcorp
Classification: Uncertain significance for Familial cancer of breast. Last evaluated: 2023-12-26. Review status: criteria provided, single submitter. Criteria: Invitae Variant Classification Sherloc (09022015). Collection method: clinical testing. Allele origin: germline.
Comment: This sequence change replaces alanine, which is neutral and non-polar, with valine, which is neutral and non-polar, at codon 915 of the PALB2 protein (p.Ala915Val). This variant is present in population databases (no rsID available, gnomAD 0.01%). This variant has not been reported in the literature in individuals affected with PALB2-related conditions. ClinVar contains an entry for this variant (Variation ID: 1320442). Advanced modeling of protein sequence and biophysical properties (such as structural, functional, and spatial information, amino acid conservation, physicochemical variation, residue mobility, and thermodynamic stability) performed at Invitae indicates that this missense variant is not expected to disrupt PALB2 protein function with a negative predictive value of 80%. In summary, the available evidence is currently insufficient to determine the role of this variant in disease. Therefore, it has been classified as a Variant of Uncertain Significance.

Baylor Genetics
Classification: Uncertain significance for Familial cancer of breast. Last evaluated: 2023-01-26. Review status: criteria provided, single submitter. Criteria: ACMG Guidelines, 2015. Collection method: clinical testing. Allele origin: unknown.

Ambry Genetics
Classification: Uncertain significance for Hereditary cancer-predisposing syndrome. Last evaluated: 2022-09-13. Review status: criteria provided, single submitter. Criteria: Ambry Variant Classification Scheme 2023. Collection method: clinical testing. Allele origin: germline.
Comment: The p.A915V variant (also known as c.2744C>T), located in coding exon 7 of the PALB2 gene, results from a C to T substitution at nucleotide position 2744. The alanine at codon 915 is replaced by valine, an amino acid with similar properties. This amino acid position is conserved. In addition, this alteration is predicted to be tolerated by in silico analysis. Since supporting evidence is limited at this time, the clinical significance of this alteration remains unclear.

GeneDx
Classification: Uncertain significance. Last evaluated: 2020-07-21. Review status: criteria provided, single submitter. Criteria: GeneDx Variant Classification Process June 2021. Collection method: clinical testing. Allele origin: germline. Affected: yes.
Comment: Not observed at a significant frequency in large population cohorts (Lek 2016); In silico analysis supports that this missense variant does not alter protein structure/function; Has not been previously published as pathogenic or benign to our knowledge